The following is an entry in ClinVar:

NM_000062.3(SERPING1):c.1196C>T (p.Pro399Leu)

Gene: SERPING1 (serpin family G member 1; plus strand). Cytogenetic location: 11q12.1.
Variant type: single nucleotide variant.
Coding change: c.1196C>T on transcript NM_000062.3 (MANE Select); coding-DNA position 1196, C replaced by T.
Protein change: p.Pro399Leu; replaces proline 399 with leucine.
Molecular consequence: missense variant.
Genome position (GRCh38, 1-based): chr11:57,611,883, C>T. VCF-style: chr11-57611883-C-T. GRCh37 (hg19) VCF-style: chr11-57379356-C-T.
Other names: c.1196C>T, p.Pro399Leu (NM_001032295.2); short protein forms P399L.
Identifiers: ClinVar variation 1073879 (VCV001073879.9), dbSNP rs2135324770, ClinGen allele CA380703349.

ClinVar aggregate classification (germline): Pathogenic (1 of 4 stars; one submission).

Submission:

Labcorp Genetics (formerly Invitae), Labcorp
Classification: Pathogenic. Last evaluated: 2023-07-22. Review status: criteria provided, single submitter. Criteria: Invitae Variant Classification Sherloc (09022015). Collection method: clinical testing. Allele origin: germline.
Comment: For these reasons, this variant has been classified as Pathogenic. This variant disrupts the p.Pro399 amino acid residue in SERPING1. Other variant(s) that disrupt this residue have been observed in individuals with SERPING1-related conditions (PMID: 9069585, 15971231), which suggests that this may be a clinically significant amino acid residue. Advanced modeling of protein sequence and biophysical properties (such as structural, functional, and spatial information, amino acid conservation, physicochemical variation, residue mobility, and thermodynamic stability) has been performed at Invitae for this missense variant, however the output from this modeling did not meet the statistical confidence thresholds required to predict the impact of this variant on SERPING1 protein function. ClinVar contains an entry for this variant (Variation ID: 1073879). This variant is also known as Pro377Leu. This missense change has been observed in individual(s) with hereditary angioedema (PMID: 15971231, 18758157, 21864911). In at least one individual the variant was observed to be de novo. This variant is not present in population databases (gnomAD no frequency). This sequence change replaces proline, which is neutral and non-polar, with leucine, which is neutral and non-polar, at codon 399 of the SERPING1 protein (p.Pro399Leu).

Literature cited by the submitters: PubMed 9069585; PubMed 15971231; PubMed 18758157; PubMed 21864911.